The following is an entry in ClinVar:

NM_005612.5(REST):c.52A>G (p.Ser18Gly)

Gene: REST (RE1 silencing transcription factor; plus strand). Cytogenetic location: 4q12.
Variant type: single nucleotide variant.
Coding change: c.52A>G on transcript NM_005612.5 (MANE Select); coding-DNA position 52, A replaced by G.
Protein change: p.Ser18Gly; replaces serine 18 with glycine.
Molecular consequence: missense variant.
Genome position (GRCh38, 1-based): chr4:56,910,690, A>G. VCF-style: chr4-56910690-A-G. GRCh37 (hg19) VCF-style: chr4-57776856-A-G.
Other names: c.52A>G, p.Ser18Gly (NM_001193508.2, NM_001363453.3); short protein forms S18G.
Identifiers: ClinVar variation 2975293 (VCV002975293.3), dbSNP rs755279791, ClinGen allele CA2932034.

ClinVar aggregate classification (germline): Uncertain significance (1 of 4 stars; one submission).

Allele frequency attached by ClinVar (database versions not stated): ExAC 0.00001; gnomAD 0.00001.
gnomAD v4.1: 3 of 1,613,958 alleles (0.00019%); highest among the groups gnomAD compares: Admixed American, 0.0033%; no homozygotes.

Submission:

Labcorp Genetics (formerly Invitae), Labcorp
Classification: Uncertain significance. Last evaluated: 2023-04-06. Review status: criteria provided, single submitter. Criteria: Invitae Variant Classification Sherloc (09022015). Collection method: clinical testing. Allele origin: germline.
Comment: In summary, the available evidence is currently insufficient to determine the role of this variant in disease. Therefore, it has been classified as a Variant of Uncertain Significance. Algorithms developed to predict the effect of missense changes on protein structure and function output the following: SIFT: "Not Available"; PolyPhen-2: "Benign"; Align-GVGD: "Not Available". The glycine amino acid residue is found in multiple mammalian species, which suggests that this missense change does not adversely affect protein function. This variant has not been reported in the literature in individuals affected with REST-related conditions. This variant is present in population databases (rs755279791, gnomAD 0.003%). This sequence change replaces serine, which is neutral and polar, with glycine, which is neutral and non-polar, at codon 18 of the REST protein (p.Ser18Gly).